The following is an entry in ClinVar:

NM_001384140.1(PCDH15):c.1313del (p.Asp438fs)

Gene: PCDH15 (protocadherin related 15; minus strand). Cytogenetic location: 10q21.1.
Variant type: Deletion.
Coding change: c.1313del on transcript NM_001384140.1 (MANE Select); coding-DNA position 1313, one base deleted (A; older notation c.1313delA).
Protein change: p.Asp438fs; shifts the reading frame from aspartic acid 438.
Molecular consequence: frameshift variant.
Genome position (GRCh38, 1-based): chr10:54,185,261, T deleted on the plus strand (A on the coding strand, the reverse complement: PCDH15 is on the minus strand). VCF-style (leftmost placement, unchanged base first): chr10-54185260-GT-G. GRCh37 (hg19) VCF-style: chr10-55945020-GT-G.
Other names: c.1328del, p.Asp443fs (NM_001142763.2, NM_001142771.2); c.1313del, p.Asp438fs (NM_001142764.2, NM_001142765.2, NM_001142766.2 and 6 more transcripts); c.1202del, p.Asp401fs (NM_001142767.2); c.1247del, p.Asp416fs (NM_001142768.2, NM_001142773.2, NM_001354404.2); c.1349delA, p.Asp450Alafs (NM_001142769.4); c.1334del, p.Asp445fs (NM_001354411.2); short protein forms D443fs, D401fs, D416fs, D438fs, D445fs, D450fs.
Identifiers: ClinVar variation 1357705 (VCV001357705.6), dbSNP rs2133818635, ClinGen allele CA2573145145.
Genomic context (GRCh38, chr10:54,185,260, plus strand): 5'-ACCAGTCTGTGTGACGGTGAAGACTGAGGTGTAGTCATTCAGAAAAAGGTGAAGCTCTGG[GT>G]CTTTTGTCTTTGAAAAAAAATGACATCGTTTCAAACGTTGAATAAATAATGTAGCTATTA-3'

ClinVar aggregate classification (germline): Pathogenic (1 of 4 stars; one submission).

Submission:

Labcorp Genetics (formerly Invitae), Labcorp
Classification: Pathogenic. Last evaluated: 2021-08-12. Review status: criteria provided, single submitter. Criteria: Invitae Variant Classification Sherloc (09022015). Collection method: clinical testing. Allele origin: germline.
Comment: This sequence change creates a premature translational stop signal (p.Asp438Alafs*8) in the PCDH15 gene. It is expected to result in an absent or disrupted protein product. Loss-of-function variants in PCDH15 are known to be pathogenic (PMID: 11398101, 11487575, 14570705). This variant is not present in population databases (ExAC no frequency). This variant has not been reported in the literature in individuals affected with PCDH15-related conditions. For these reasons, this variant has been classified as Pathogenic.

Literature cited by the submitters: PubMed 11398101; PubMed 11487575; PubMed 14570705.